The following is an entry in ClinVar:

NM_020297.4(ABCC9):c.4405A>T (p.Ile1469Phe)

Genes: KCNJ8-AS1 (KCNJ8 antisense RNA 1; plus strand), ABCC9 (ATP binding cassette subfamily C member 9; minus strand). Cytogenetic location: 12p12.1.
Variant type: single nucleotide variant.
Coding change: c.4405A>T on transcript NM_020297.4 (MANE Select); coding-DNA position 4405, A replaced by T.
Protein change: p.Ile1469Phe; replaces isoleucine 1469 with phenylalanine.
Molecular consequence: missense variant.
Genome position (GRCh38, 1-based): chr12:21,807,390, T>A on the plus strand (A>T on the coding strand, the complement: ABCC9 is on the minus strand). VCF-style: chr12-21807390-T-A. GRCh37 (hg19) VCF-style: chr12-21960324-T-A.
Other names: c.4405A>T, p.Ile1469Phe (NM_001377273.1, NM_005691.4); c.3538A>T, p.Ile1180Phe (NM_001377274.1); short protein forms I1469F, I1180F.
Identifiers: ClinVar variation 2006905 (VCV002006905.4), dbSNP rs931320329, ClinGen allele CA233609105.
Genomic context (GRCh38, chr12:21,807,390, plus strand): 5'-TAGATAATGCACTCACTGTGGCCATGTCAATGGAAGCTGTTGCCTCATCCATAATAAGAA[T>A]GCTGCTTTTGCGGACAAAGGCCCTGGCAAGGCAAAATAGCTGTCTCTGTCCAACGCTAAA-3'
Protein context (NP_064693.2, residues 1459-1479): LARAFVRKSS[Ile1469Phe]LIMDEATASI

ClinVar aggregate classification (germline): Uncertain significance (1 of 4 stars; one submission).

Conditions:
Dilated cardiomyopathy 1O (CMD1O). Also called: CARDIOMYOPATHY, DILATED, WITH VENTRICULAR TACHYCARDIA. Identifiers: Orphanet 154, MedGen C1837839, MONDO:0012062, OMIM 608569.

Allele frequency attached by ClinVar (database versions not stated): TOPMed below 0.00001.

Submission:

Labcorp Genetics (formerly Invitae), Labcorp
Classification: Uncertain significance for Dilated cardiomyopathy 1O. Last evaluated: 2022-06-18. Review status: criteria provided, single submitter. Criteria: Invitae Variant Classification Sherloc (09022015). Collection method: clinical testing. Allele origin: germline.
Comment: In summary, the available evidence is currently insufficient to determine the role of this variant in disease. Therefore, it has been classified as a Variant of Uncertain Significance. Algorithms developed to predict the effect of missense changes on protein structure and function are either unavailable or do not agree on the potential impact of this missense change (SIFT: "Deleterious"; PolyPhen-2: "Probably Damaging"; Align-GVGD: "Class C0"). This variant has not been reported in the literature in individuals affected with ABCC9-related conditions. This variant is not present in population databases (gnomAD no frequency). This sequence change replaces isoleucine, which is neutral and non-polar, with phenylalanine, which is neutral and non-polar, at codon 1469 of the ABCC9 protein (p.Ile1469Phe).